The following is an entry in ClinVar:

NM_020937.4(FANCM):c.5204C>T (p.Ser1735Leu)

Gene: FANCM (FA complementation group M; plus strand). Cytogenetic location: 14q21.2.
Variant type: single nucleotide variant.
Coding change: c.5204C>T on transcript NM_020937.4 (MANE Select); coding-DNA position 5204, C replaced by T.
Protein change: p.Ser1735Leu; replaces serine 1735 with leucine.
Molecular consequence: missense variant.
Genome position (GRCh38, 1-based): chr14:45,189,226, C>T. VCF-style: chr14-45189226-C-T. GRCh37 (hg19) VCF-style: chr14-45658429-C-T.
Other names: c.5126C>T, p.Ser1709Leu (NM_001308133.2); short protein forms S1709L, S1735L.
Identifiers: ClinVar variation 1011649 (VCV001011649.9), dbSNP rs112745068, ClinGen allele CA7169929.

ClinVar aggregate classification (germline): Uncertain significance. Review status: criteria provided, multiple submitters, no conflicts (2 of 4 stars). 4 submissions from 4 submitters: Uncertain significance (3). 1 of the submissions does not count toward it. Last evaluated 2025-09-21.

Conditions:
Spermatogenic failure 28. Identifiers: MedGen C4748117, MONDO:0054732, OMIM 618086.
Premature ovarian failure 15. Identifiers: MedGen C4748170, MONDO:0054862, OMIM 618096.
Hereditary cancer-predisposing syndrome. Also called: Hereditary Cancer Syndrome; Tumor predisposition; Neoplastic Syndromes, Hereditary; Hereditary neoplastic syndrome. Identifiers: Orphanet 140162, MedGen C0027672, MeSH D009386, MONDO:0015356.
Fanconi anemia (FA). Also called: Fanconi's anemia. Identifiers: Orphanet 84, MedGen C0015625, MeSH D005199, MONDO:0019391.

Allele frequency attached by ClinVar (database versions not stated): gnomAD 0.00001 and 0.00002; ExAC 0.00002; gnomAD exomes 0.00002; TOPMed 0.00003.
gnomAD v4.1: 39 of 1,614,082 alleles (0.0024%); highest among the groups gnomAD compares: African/African-American, 0.004%; no homozygotes.

Submissions (4):

Labcorp Genetics (formerly Invitae), Labcorp
Classification: Uncertain significance for Fanconi anemia. Last evaluated: 2025-09-21. Review status: criteria provided, single submitter. Criteria: Invitae Variant Classification Sherloc (09022015). Collection method: clinical testing. Allele origin: germline.
Comment: This sequence change replaces serine, which is neutral and polar, with leucine, which is neutral and non-polar, at codon 1735 of the FANCM protein (p.Ser1735Leu). This variant is present in population databases (rs112745068, gnomAD 0.007%). This variant has not been reported in the literature in individuals affected with FANCM-related conditions. ClinVar contains an entry for this variant (Variation ID: 1011649). An algorithm developed to predict the effect of missense changes on protein structure and function outputs the following: PolyPhen-2: "Benign". The leucine amino acid residue is found in multiple mammalian species, which suggests that this missense change does not adversely affect protein function. In summary, the available evidence is currently insufficient to determine the role of this variant in disease. Therefore, it has been classified as a Variant of Uncertain Significance.

Fulgent Genetics
Classification: Uncertain significance for Spermatogenic failure 28; Premature ovarian failure 15. Last evaluated: 2022-05-18. Review status: criteria provided, single submitter. Criteria: ACMG Guidelines, 2015. Collection method: clinical testing. Allele origin: unknown.

Sema4
Classification: Uncertain significance for Hereditary cancer-predisposing syndrome. Last evaluated: 2022-01-30. Review status: criteria provided, single submitter. Criteria: Sema4 Curation Guidelines. Collection method: curation. Allele origin: germline.
Comment: The FANCM c.5204C>T p.(S1735L) variant has been reported in several individuals with breast or ovarian cancer (PMID: 26689913, 34174131, 33471991). This variant was observed in 4/251116 chromosomes across the different populations included in the Genome Aggregation Database (PMID: 32461654) and has been reported in ClinVar (Variation ID: 1011649). Functional studies have not been performed, and in silico predictions of the variant's effect on protein function are inconclusive. Based on the current evidence available, this variant is interpreted as a variant of uncertain significance.

Department of Pathology and Laboratory Medicine, Sinai Health System
Classification: Uncertain significance. Review status: no assertion criteria provided. Collection method: clinical testing. Allele origin: unknown. Affected: yes. Study: The Canadian Open Genetics Repository (COGR). Not counted in ClinVar's aggregate classification.
Comment: The FANCM p.S1735L variant was not identified in the literature nor was it identified in ClinVar. The variant was identified in dbSNP (ID: rs112745068) and COSMIC. The variant was identified in control databases in 4 of 251116 chromosomes at a frequency of 0.00001593 (Genome Aggregation Database March 6, 2019, v2.1.1). The p.S1735 residue is not conserved in mammals and computational analyses (MUT Assesor, PolyPhen-2, SIFT, MutationTaster, Revel, FATHMM, MetaLR, DANN) do not suggest a high likelihood of impact to the protein; this information is not very predictive of pathogenicity. The variant occurs outside of the splicing consensus sequence and in silico or computational prediction software programs (Splice AI exome) do not predict a deleterious effect on splicing. In summary, based on the above information the clinical significance of this variant cannot be determined with certainty at this time. This variant is classified as a variant of uncertain significance.

Literature cited by the submitters: PubMed 26689913 (cited by Sema4); PubMed 34174131 (cited by Sema4); PubMed 33471991 (cited by Sema4).